The following is an entry in ClinVar:

NM_001035.3(RYR2):c.3164G>A (p.Arg1055His)

Gene: RYR2 (ryanodine receptor 2; plus strand). Cytogenetic location: 1q43.
Variant type: single nucleotide variant.
Coding change: c.3164G>A on transcript NM_001035.3 (MANE Select); coding-DNA position 3164, G replaced by A.
Protein change: p.Arg1055His; replaces arginine 1055 with histidine.
Molecular consequence: missense variant.
Genome position (GRCh38, 1-based): chr1:237,550,641, G>A. VCF-style: chr1-237550641-G-A. GRCh37 (hg19) VCF-style: chr1-237713941-G-A.
Other names: p.R1055H:CGC>CAC; c.3164G>A, p.Arg1055His (LRG_402t1); short protein forms R1055H.
Identifiers: ClinVar variation 201236 (VCV000201236.30), dbSNP rs757490010, ClinGen allele CA009120.
Genomic context (GRCh38, chr1:237,550,641, plus strand): 5'-ACACTCTTCTGGATGACCGAACCAAGAAATCCAACAAGGACAGCCTCCGCGAGGCTGTGC[G>A]CACGCTGCTGGGGTACGGCTACAACTTGGAAGCACCAGATCAAGATCATGGTATTTTGGT-3'
Protein context (NP_001026.2, residues 1045-1065): SNKDSLREAV[Arg1055His]TLLGYGYNLE

ClinVar aggregate classification (germline): Uncertain significance. Review status: criteria provided, multiple submitters, no conflicts (2 of 4 stars). 11 submissions from 10 submitters: Uncertain significance (11). Last evaluated 2025-11-10.

Conditions:
RYR2-related disorder. Also called: RYR2-related condition.
Catecholaminergic polymorphic ventricular tachycardia 1. Also called: RYR2-Related Catecholaminergic Polymorphic Ventricular Tachycardia; VENTRICULAR TACHYCARDIA, STRESS-INDUCED POLYMORPHIC 1; VENTRICULAR TACHYCARDIA, CATECHOLAMINERGIC POLYMORPHIC, 1, WITH OR WITHOUT ATRIAL DYSFUNCTION AND/OR DILATED CARDIOMYOPATHY. Identifiers: Orphanet 3286, MedGen C1631597, MONDO:0011484, OMIM 604772.
Ventricular arrhythmias due to cardiac ryanodine receptor calcium release deficiency syndrome. Also called: Autosomal dominant cardiac arrhythmia (Kuhn). Identifiers: MedGen C5542154, MONDO:0020745, OMIM 115000.
Cardiovascular phenotype. Identifiers: MedGen CN230736.
Arrhythmogenic right ventricular dysplasia 2. Identifiers: MedGen C1832931.
Cardiac arrhythmia. Also called: Arrhythmia; Cardiac rhythm disease. Identifiers: MedGen C0003811, MONDO:0007263, HP:0011675.
Catecholaminergic polymorphic ventricular tachycardia (CVPT). Also called: Catecholamine-induced polymorphic ventricular tachycardia. Identifiers: Orphanet 3286, MedGen C5574922, MONDO:0017990.
Cardiomyopathy (CMYO). Also called: Cardiomyopathies. Identifiers: Orphanet 167848, MedGen C0878544, MONDO:0004994, HP:0001638. Inheritance: Various modes of inheritance.

Allele frequency attached by ClinVar (database versions not stated): ExAC 0.00003; TOPMed 0.00003; gnomAD 0.00005 and 0.00006; 1000 Genomes Project 30x 0.00016.
gnomAD v4.1: 21 of 1,578,884 alleles (0.0013%); highest among the groups gnomAD compares: African/African-American, 0.004%; no homozygotes.

Submissions (11):

Labcorp Genetics (formerly Invitae), Labcorp
Classification: Uncertain significance for Catecholaminergic polymorphic ventricular tachycardia 1. Last evaluated: 2025-11-10. Review status: criteria provided, single submitter. Criteria: Invitae Variant Classification Sherloc (09022015). Collection method: clinical testing. Allele origin: germline.
Comment: This sequence change replaces arginine, which is basic and polar, with histidine, which is basic and polar, at codon 1055 of the RYR2 protein (p.Arg1055His). The frequency data for this variant in the population databases is considered unreliable, as metrics indicate poor data quality at this position in the gnomAD database. This missense change has been observed in individual(s) with clinical features of RYR2-related conditions (PMID: 32009526, 39020067). ClinVar contains an entry for this variant (Variation ID: 201236). Invitae Evidence Modeling of protein sequence and biophysical properties (such as structural, functional, and spatial information, amino acid conservation, physicochemical variation, residue mobility, and thermodynamic stability) indicates that this missense variant is expected to disrupt RYR2 protein function with a positive predictive value of 95%. In summary, the available evidence is currently insufficient to determine the role of this variant in disease. Therefore, it has been classified as a Variant of Uncertain Significance.

Molecular Diagnostic Laboratory for Inherited Cardiovascular Disease, Montreal Heart Institute
Classification: Uncertain significance for Cardiovascular phenotype. Last evaluated: 2025-07-24. Review status: criteria provided, single submitter. Criteria: ACMG Guidelines, 2015. Collection method: clinical testing. Allele origin: germline. Affected: yes.
Comment: PM2, PP2, PP3

Ambry Genetics
Classification: Uncertain significance for Cardiovascular phenotype. Last evaluated: 2025-07-21. Review status: criteria provided, single submitter. Criteria: Ambry Variant Classification Scheme 2023. Collection method: clinical testing. Allele origin: germline.
Comment: The p.R1055H variant (also known as c.3164G>A), located in coding exon 27 of the RYR2 gene, results from a G to A substitution at nucleotide position 3164. The arginine at codon 1055 is replaced by histidine, an amino acid with highly similar properties. This amino acid position is highly conserved in available vertebrate species. In addition, the in silico prediction for this alteration is inconclusive. Based on the available evidence, the clinical significance of this variant remains unclear.

PreventionGenetics, part of Exact Sciences
Classification: Uncertain significance for RYR2-related condition. Last evaluated: 2024-10-08. Review status: criteria provided, single submitter. Criteria: ACMG Guidelines, 2015. Collection method: clinical testing. Allele origin: germline.
Comment: The RYR2 c.3164G>A variant is predicted to result in the amino acid substitution p.Arg1055His. This variant was reported in an individual with cardiomyopathy (Pottinger et al. 2020. PubMed ID: 32009526) and in an individual with unexplained cardiac arrest (Supplementary Table 5, Grondin et al. 2022. PubMed ID: 35352813). This variant is reported in 0.0089% of alleles in individuals of African descent in gnomAD. At this time, the clinical significance of this variant is uncertain due to the absence of conclusive functional and genetic evidence.

Institute of Immunology and Genetics Kaiserslautern
Classification: Uncertain significance for Ventricular arrhythmias due to cardiac ryanodine receptor calcium release deficiency syndrome; Catecholaminergic polymorphic ventricular tachycardia 1. Last evaluated: 2024-06-18. Review status: criteria provided, single submitter. Criteria: ACMG Guidelines, 2015. Collection method: clinical testing. Allele origin: germline. Affected: yes.
Comment: ACMG Criteria: PM2_P, PP3; Variant was found in heterozygous state

All of Us Research Program, National Institutes of Health
Classification: Uncertain significance for Catecholaminergic polymorphic ventricular tachycardia. Last evaluated: 2024-05-30. Review status: criteria provided, single submitter. Criteria: ACMG Guidelines, 2015. Collection method: clinical testing. Allele origin: germline. Inheritance: Autosomal dominant inheritance. Observed: 6 variant alleles, 5 heterozygotes, 1 homozygote.
Comment: This missense variant replaces arginine with histidine at codon 1055 of the RYR2 protein. Computational prediction suggests that this variant may have deleterious impact on protein structure and function (internally defined REVEL score threshold >= 0.7, PMID: 27666373). To our knowledge, functional studies have not been reported for this variant. This variant has been reported in a biobank participant with a cardiomyopathy diagnosis (PMID: 32009526). This variant has not been identified in the general population by the Genome Aggregation Database (gnomAD). The available evidence is insufficient to determine the role of this variant in disease conclusively. Therefore, this variant is classified as a Variant of Uncertain Significance.

This study involves interpretation of variants in research participants for the purpose of population health screening. Participant phenotype was not available at the time of variant classification. Additional details can be found in publication PMID: 35346344, PMCID: PMC8962531

Color Diagnostics, LLC DBA Color Health
Classification: Uncertain significance for Cardiomyopathy. Last evaluated: 2024-05-15. Review status: criteria provided, single submitter. Criteria: ACMG Guidelines, 2015. Collection method: clinical testing. Allele origin: germline.
Comment: This missense variant replaces arginine with histidine at codon 1055 of the RYR2 protein. Computational prediction suggests that this variant may have deleterious impact on protein structure and function (internally defined REVEL score threshold >= 0.7, PMID: 27666373). To our knowledge, functional studies have not been reported for this variant. This variant has been reported in a biobank participant with a cardiomyopathy diagnosis (PMID: 32009526). This variant has not been identified in the general population by the Genome Aggregation Database (gnomAD). The available evidence is insufficient to determine the role of this variant in disease conclusively. Therefore, this variant is classified as a Variant of Uncertain Significance.

Blueprint Genetics
Classification: Uncertain significance. Last evaluated: 2023-04-17. Review status: criteria provided, single submitter. Criteria: ACMG Guidelines, 2015. Collection method: clinical testing. Allele origin: germline.

Illumina Laboratory Services, Illumina
Classification: Uncertain significance for Catecholaminergic polymorphic ventricular tachycardia 1. Last evaluated: 2018-01-12. Review status: criteria provided, single submitter. Criteria: ICSL Variant Classification Criteria 13 December 2019. Collection method: clinical testing. Allele origin: germline.

Illumina Laboratory Services, Illumina
Classification: Uncertain significance for Catecholaminergic polymorphic ventricular tachycardia 1. Last evaluated: 2018-01-12. Review status: criteria provided, single submitter. Criteria: ICSL Variant Classification Criteria 13 December 2019. Collection method: clinical testing. Allele origin: germline.

GeneDx
Classification: Uncertain significance. Last evaluated: 2014-08-27. Review status: criteria provided, single submitter. Criteria: GeneDx Variant Classification (06012015). Collection method: clinical testing. Allele origin: germline. Affected: yes.
Comment: p.Arg1055His (CGC>CAC): c.3164 G>A in exon 27 of the RYR2 gene (NM_001035.2). The R1055H variant has not been published as a mutation, nor has it been reported as a benign polymorphism to our knowledge. The R1055H variant was not observed in approximately 6,100 individuals of European and African American ancestry in the NHLBI Exome Sequencing Project, indicating it is not a common benign variant in these populations. This substitution occurs at a position that is conserved among mammals. Additionally, in silico analysis predicts this variant is probably damaging to the protein structure/function. However, the R1055H variant is a conservative amino acid substitution, which is not likely to impact secondary protein structure as these residues share similar properties. Furthermore, only one missense mutation in a nearby residue (R1051P) has been reported in association with CPVT, indicating this region of the protein may be tolerant of change. Therefore, based on the currently available information, it is unclear whether this variant is a pathogenic mutation or a rare benign variant. Approximately 50% of patients with autosomal dominant CPVT have been reported to have a mutation in the RYR2 gene, while mutations in the RYR2 gene associated with ARVC are rare (McNally E et al., 2009; Napolitano C et al., 2012). The variant is found in ARRHYTHMIA panel(s).

Literature cited by the submitters: PubMed 32009526 (cited by 4 submitters); PubMed 39020067 (cited by Labcorp Genetics (formerly Invitae), Labcorp).